The following is an entry in ClinVar:

ClinVar aggregate classification (germline): Uncertain significance. Review status: criteria provided, multiple submitters, no conflicts (2 of 4 stars). 2 submissions from 2 submitters: Uncertain significance (2). Last evaluated 2026-06-18.

Conditions:
Hereditary cancer-predisposing syndrome. Also called: Neoplastic Syndromes, Hereditary; Hereditary Cancer Syndrome; Hereditary neoplastic syndrome; Tumor predisposition. Identifiers: Orphanet 140162, MedGen C0027672, MeSH D009386, MONDO:0015356.
Familial cancer of breast. Also called: hereditary breast carcinoma; BREAST CANCER, FAMILIAL; Hereditary breast cancer. Identifiers: Orphanet 227535, MedGen C0346153, MONDO:0016419, OMIM 114480. Disease mechanism: loss of function.

Submissions (2):

Ambry Genetics
Classification: Uncertain significance for Hereditary cancer-predisposing syndrome. Last evaluated: 2026-06-18. Review status: criteria provided, single submitter. Criteria: Ambry Variant Classification Scheme 2023. Collection method: clinical testing. Allele origin: germline.
Comment: The p.F144L variant (also known as c.430T>C), located in coding exon 2 of the CHEK2 gene, results from a T to C substitution at nucleotide position 430. The phenylalanine at codon 144 is replaced by leucine, an amino acid with highly similar properties. This amino acid position is highly conserved in available vertebrate species. In addition, this alteration is predicted to be deleterious by in silico analysis. Based on the available evidence, the clinical significance of this variant remains unclear.

Labcorp Genetics (formerly Invitae), Labcorp
Classification: Uncertain significance for Familial cancer of breast. Last evaluated: 2023-08-07. Review status: criteria provided, single submitter. Criteria: Invitae Variant Classification Sherloc (09022015). Collection method: clinical testing. Allele origin: germline.
Comment: This variant has not been reported in the literature in individuals affected with CHEK2-related conditions. In summary, the available evidence is currently insufficient to determine the role of this variant in disease. Therefore, it has been classified as a Variant of Uncertain Significance. An algorithm developed to predict the effect of missense changes on protein structure and function (PolyPhen-2) suggests that this variant is likely to be disruptive. ClinVar contains an entry for this variant (Variation ID: 575914). This variant is not present in population databases (gnomAD no frequency). This sequence change replaces phenylalanine, which is neutral and non-polar, with leucine, which is neutral and non-polar, at codon 144 of the CHEK2 protein (p.Phe144Leu).

NM_007194.4(CHEK2):c.430T>C (p.Phe144Leu)

Gene: CHEK2 (checkpoint kinase 2; minus strand). Cytogenetic location: 22q12.1.
Variant type: single nucleotide variant.
Coding change: c.430T>C on transcript NM_007194.4 (MANE Select); coding-DNA position 430, T replaced by C.
Protein change: p.Phe144Leu; replaces phenylalanine 144 with leucine.
Molecular consequence: missense variant.
Genome position (GRCh38, 1-based): chr22:28,725,257, A>G on the plus strand (T>C on the coding strand, the complement: CHEK2 is on the minus strand). VCF-style: chr22-28725257-A-G. GRCh37 (hg19) VCF-style: chr22-29121245-A-G.
Other names: c.430T>C, p.Phe144Leu (NM_001349956.3, NM_145862.3); c.559T>C, p.Phe187Leu (NM_001005735.3); c.-348T>C (NM_001257387.3); short protein forms F144L, F187L.
Identifiers: ClinVar variation 575914 (VCV000575914.8), dbSNP rs1569158415, ClinGen allele CA411107908.